The following is an entry in ClinVar:

ClinVar aggregate classification (germline): Uncertain significance. Review status: criteria provided, multiple submitters, no conflicts (2 of 4 stars). 3 submissions from 3 submitters: Uncertain significance (3). Last evaluated 2026-02-01.

Conditions:
Inborn genetic diseases. Identifiers: MedGen C0950123, MeSH D030342.

Allele frequency attached by ClinVar (database versions not stated): ExAC 0.00001; gnomAD 0.00001; gnomAD exomes 0.00001.
gnomAD v4.1: 17 of 1,613,882 alleles (0.0011%); highest among the groups gnomAD compares: African/African-American, 0.0053%; no homozygotes.

Submissions (3):

Labcorp Genetics (formerly Invitae), Labcorp
Classification: Uncertain significance. Last evaluated: 2026-02-01. Review status: criteria provided, single submitter. Criteria: Invitae Variant Classification Sherloc (09022015). Collection method: clinical testing. Allele origin: germline.
Comment: This sequence change replaces arginine, which is basic and polar, with glutamine, which is neutral and polar, at codon 147 of the ACVR1 protein (p.Arg147Gln). This variant is present in population databases (rs373187352, gnomAD 0.006%). This variant has not been reported in the literature in individuals affected with ACVR1-related conditions. ClinVar contains an entry for this variant (Variation ID: 1921502). An algorithm developed to predict the effect of missense changes on protein structure and function (PolyPhen-2) suggests that this variant is likely to be tolerated. In summary, the available evidence is currently insufficient to determine the role of this variant in disease. Therefore, it has been classified as a Variant of Uncertain Significance.

Clinical Genetics Laboratory, Skane University Hospital Lund
Classification: Uncertain significance. Last evaluated: 2023-08-18. Review status: criteria provided, single submitter. Criteria: ACMG Guidelines, 2015. Collection method: clinical testing. Allele origin: germline. Affected: yes.

Ambry Genetics
Classification: Uncertain significance for Inborn genetic diseases. Last evaluated: 2021-07-13. Review status: criteria provided, single submitter. Criteria: Ambry Variant Classification Scheme 2023. Collection method: clinical testing. Allele origin: germline.

NM_001111067.4(ACVR1):c.440G>A (p.Arg147Gln)

Gene: ACVR1 (activin A receptor type 1; minus strand). Cytogenetic location: 2q24.1.
Variant type: single nucleotide variant.
Coding change: c.440G>A on transcript NM_001111067.4 (MANE Select); coding-DNA position 440, G replaced by A.
Protein change: p.Arg147Gln; replaces arginine 147 with glutamine.
Molecular consequence: missense variant.
Genome position (GRCh38, 1-based): chr2:157,778,234, C>T on the plus strand (G>A on the coding strand, the complement: ACVR1 is on the minus strand). VCF-style: chr2-157778234-C-T. GRCh37 (hg19) VCF-style: chr2-158634746-C-T.
Other names: c.440G>A, p.Arg147Gln (NM_001105.5, NM_001347663.1, NM_001347664.1 and 3 more transcripts); short protein forms R147Q.
Identifiers: ClinVar variation 1921502 (VCV001921502.7), dbSNP rs373187352, ClinGen allele CA1919157.